The following is an entry in ClinVar:

NM_144672.4(OTOA):c.635+36_635+37del

Gene: OTOA (otoancorin). Cytogenetic location: 16p12.2.
Variant type: Deletion.
Coding change: c.635+36_635+37del on transcript NM_144672.4 (MANE Select); bases 36 to 37 of the intron after coding-DNA position 635, this stretch deleted.
Molecular consequence: intron variant.
Genome position: GRCh38 VCF-style: chr16-21687667-CTT-C. GRCh37 (hg19) VCF-style: chr16-21698988-CTT-C.
Other names: c.398+36_398+37del (NM_001161683.2).
Identifiers: ClinVar variation 1703413 (VCV001703413.3), dbSNP rs397855951, ClinGen allele CA7952354.

ClinVar aggregate classification (germline): Likely benign. Review status: criteria provided, multiple submitters, no conflicts (2 of 4 stars). 2 submissions from 2 submitters: Likely benign (2). Last evaluated 2024-11-26.

Submissions (2):

Blueprint Genetics
Classification: Likely benign. Last evaluated: 2024-11-26. Review status: criteria provided, single submitter. Criteria: ACMG Guidelines, 2015. Collection method: clinical testing. Allele origin: germline.

GeneDx
Classification: Likely benign. Last evaluated: 2022-02-27. Review status: criteria provided, single submitter. Criteria: GeneDx Variant Classification Process June 2021. Collection method: clinical testing. Allele origin: germline. Affected: yes.
Comment: See Variant Classification Assertion Criteria.